The following is an entry in ClinVar:

ClinVar aggregate classification (germline): Benign/Likely benign. Review status: criteria provided, multiple submitters, no conflicts (2 of 4 stars). 3 submissions from 3 submitters: Benign (1); Likely benign (2). Last evaluated 2024-06-11.

Conditions:
Hereditary cancer-predisposing syndrome. Also called: Hereditary Cancer Syndrome; Tumor predisposition; Neoplastic Syndromes, Hereditary; Hereditary neoplastic syndrome. Identifiers: Orphanet 140162, MedGen C0027672, MeSH D009386, MONDO:0015356.
Familial adenomatous polyposis 1 (FAP1). Also called: FAMILIAL ADENOMATOUS POLYPOSIS 1, ATTENUATED; POLYPOSIS, ADENOMATOUS INTESTINAL. Identifiers: MedGen C2713442, MONDO:0021056, OMIM 175100. Disease mechanism: loss of function.

gnomAD v4.1: 1 of 1,613,842 alleles (0.000062%); highest among the groups gnomAD compares: Non-Finnish European, 0.000085%; no homozygotes.

Submissions (3):

Labcorp Genetics (formerly Invitae), Labcorp
Classification: Likely benign for Familial adenomatous polyposis 1. Last evaluated: 2024-06-11. Review status: criteria provided, single submitter. Criteria: Invitae Variant Classification Sherloc (09022015). Collection method: clinical testing. Allele origin: germline.

Myriad Genetics, Inc.
Classification: Benign for Familial adenomatous polyposis 1. Last evaluated: 2024-04-09. Review status: criteria provided, single submitter. Criteria: Myriad Autosomal Dominant, Autosomal Recessive and X-Linked Classification Criteria (2023). Collection method: clinical testing. Allele origin: unknown.
Comment: This variant is considered benign. This variant is a silent/synonymous amino acid change and it is not expected to impact splicing.

Ambry Genetics
Classification: Likely benign for Hereditary cancer-predisposing syndrome. Last evaluated: 2021-03-16. Review status: criteria provided, single submitter. Criteria: Ambry Variant Classification Scheme 2023. Collection method: clinical testing. Allele origin: germline.

NM_000038.6(APC):c.7443T>C (p.Thr2481=)

Gene: APC (APC regulator of Wnt signaling pathway; plus strand). Cytogenetic location: 5q22.2.
Variant type: single nucleotide variant.
Coding change: c.7443T>C on transcript NM_000038.6 (MANE Select); coding-DNA position 7443, T replaced by C.
Protein change: p.Thr2481=; no amino-acid change (threonine 2481 retained).
Molecular consequence: synonymous variant.
Genome position (GRCh38, 1-based): chr5:112,843,037, T>C. VCF-style: chr5-112843037-T-C. GRCh37 (hg19) VCF-style: chr5-112178734-T-C.
Other names: c.7443T>C, p.Thr2481= (NM_001127510.3, NM_001354895.2); c.7389T>C, p.Thr2463= (NM_001127511.3); c.7497T>C, p.Thr2499= (NM_001354896.2); c.7473T>C, p.Thr2491= (NM_001354897.2); c.7368T>C, p.Thr2456= (NM_001354898.2); c.7359T>C, p.Thr2453= (NM_001354899.2); c.7320T>C, p.Thr2440= (NM_001354900.2); c.7266T>C, p.Thr2422= (NM_001354901.2); and 5 more.
Identifiers: ClinVar variation 1540737 (VCV001540737.11), dbSNP rs147757080, ClinGen allele CA446210689.